The following is an entry in ClinVar:

ClinVar aggregate classification (germline): Uncertain significance (1 of 4 stars; one submission).

Conditions:
Cardiovascular phenotype. Identifiers: MedGen CN230736.

Allele frequency attached by ClinVar (database versions not stated): gnomAD exomes below 0.00001; TOPMed below 0.00001; gnomAD 0.00001.
gnomAD v4.1: 5 of 1,613,652 alleles (0.00031%); highest among the groups gnomAD compares: Non-Finnish European, 0.00042%; no homozygotes.

Submission:

Ambry Genetics
Classification: Uncertain significance for Cardiovascular phenotype. Last evaluated: 2013-05-08. Review status: criteria provided, single submitter. Criteria: Ambry Autosomal Dominant and X-Linked criteria (10/2015). Collection method: clinical testing. Allele origin: germline. Observed: 1 variant allele.
Comment: There is insufficient or conflicting evidence for classification of this alteration.

NM_001267550.2(TTN):c.28120A>G (p.Thr9374Ala)

Gene: TTN (titin; minus strand). Cytogenetic location: 2q31.2.
Variant type: single nucleotide variant.
Coding change: c.28120A>G on transcript NM_001267550.2 (MANE Select); coding-DNA position 28120, A replaced by G.
Protein change: p.Thr9374Ala; replaces threonine 9374 with alanine.
Molecular consequence: missense variant. On other transcripts: intron variant (3).
Genome position (GRCh38, 1-based): chr2:178,711,116, T>C on the plus strand (A>G on the coding strand, the complement: TTN is on the minus strand). VCF-style: chr2-178711116-T-C. GRCh37 (hg19) VCF-style: chr2-179575843-T-C.
Other names: c.27169A>G, p.Thr9057Ala (NM_001256850.1); c.24388A>G, p.Thr8130Ala (NM_133378.4); c.13282+26966A>G (NM_003319.4); c.13858+26966A>G (NM_133437.4); c.13657+26966A>G (NM_133432.3); short protein forms T8130A, T9374A, T9057A.
Identifiers: ClinVar variation 263625 (VCV000263625.3), dbSNP rs886038863, ClinGen allele CA10587508.
Genomic context (GRCh38, chr2:178,711,116, plus strand): 5'-ACAAACCTGTGAGAATGAGCCTGGCACTGGAAGAAGCAGAGCCTATAGGGTTTGTAGCTG[T>C]GCAGGAATACTGGCCTGCAAGGCTCCGGTCAGTTTTAAAAATATTGAGTGTGGCTGTATT-3'
Protein context (NP_001254479.2, residues 9364-9384): DRSLAGQYSC[Thr9374Ala]ATNPIGSASS